The following is an entry in ClinVar:

ClinVar aggregate classification (germline): Pathogenic (1 of 4 stars; one submission).

Allele frequency attached by ClinVar (database versions not stated): gnomAD exomes below 0.00001; TOPMed 0.00001.
gnomAD v4.1: 2 of 1,614,022 alleles (0.00012%); highest among the groups gnomAD compares: Admixed American, 0.0033%; no homozygotes.

Submission:

Labcorp Genetics (formerly Invitae), Labcorp
Classification: Pathogenic. Last evaluated: 2023-01-08. Review status: criteria provided, single submitter. Criteria: Invitae Variant Classification Sherloc (09022015). Collection method: clinical testing. Allele origin: germline.
Comment: This sequence change creates a premature translational stop signal (p.Glu180*) in the ANO6 gene. It is expected to result in an absent or disrupted protein product. Loss-of-function variants in ANO6 are known to be pathogenic (PMID: 21107324, 21511967, 27879994). For these reasons, this variant has been classified as Pathogenic. This variant has not been reported in the literature in individuals affected with ANO6-related conditions. This variant is present in population databases (no rsID available, gnomAD 0.003%).

Literature cited by the submitters: PubMed 21107324; PubMed 21511967; PubMed 27879994.

NM_001025356.3(ANO6):c.538G>T (p.Glu180Ter)

Gene: ANO6 (anoctamin 6; plus strand). Cytogenetic location: 12q12.
Variant type: single nucleotide variant.
Coding change: c.538G>T on transcript NM_001025356.3 (MANE Select); coding-DNA position 538, G replaced by T.
Protein change: p.Glu180Ter; replaces glutamic acid 180 with a stop codon.
Molecular consequence: nonsense.
Genome position (GRCh38, 1-based): chr12:45,348,220, G>T. VCF-style: chr12-45348220-G-T. GRCh37 (hg19) VCF-style: chr12-45742003-G-T.
Other names: c.484G>T, p.Glu162Ter (NM_001142678.2); c.538G>T, p.Glu180Ter (NM_001142679.2); c.601G>T, p.Glu201Ter (NM_001204803.2); c.505G>T, p.Glu169Ter (NM_001410973.1); short protein forms E201*, E162*, E169*, E180*.
Identifiers: ClinVar variation 2988767 (VCV002988767.3), dbSNP rs1422575811, ClinGen allele CA384467419.
Genomic context (GRCh38, chr12:45,348,220, plus strand): 5'-ACACTCAACTGGTTTACCAAAGTCCTCAGTGTAGACGAAAGCATCATCAAGCCAGAGCAA[G>T]AGTTTTTCACTGCCCCATTTGAGAAGAACCGGATGAATGATTTTTACATAGTTGATAGAG-3'